The following is an entry in ClinVar:

ClinVar aggregate classification (germline): Uncertain significance (1 of 4 stars; one submission).

Conditions:
Cystic fibrosis (CF). Also called: MUCOVISCIDOSIS. Identifiers: Orphanet 586, MedGen C0010674, MONDO:0009061, OMIM 219700. Disease mechanism: loss of function.

Submission:

Ambry Genetics
Classification: Uncertain significance for Cystic fibrosis. Last evaluated: 2022-11-20. Review status: criteria provided, single submitter. Criteria: Ambry Variant Classification Scheme 2023. Collection method: clinical testing. Allele origin: germline.
Comment: The p.I142S variant (also known as c.425T>G), located in coding exon 4 of the CFTR gene, results from a T to G substitution at nucleotide position 425. The isoleucine at codon 142 is replaced by serine, an amino acid with dissimilar properties. This amino acid position is conserved. In addition, this alteration is predicted to be deleterious by in silico analysis. Since supporting evidence is limited at this time, the clinical significance of this alteration remains unclear.

NM_000492.4(CFTR):c.425T>G (p.Ile142Ser)

Gene: CFTR (CF transmembrane conductance regulator; plus strand). Cytogenetic location: 7q31.2.
Variant type: single nucleotide variant.
Coding change: c.425T>G on transcript NM_000492.4 (MANE Select); coding-DNA position 425, T replaced by G.
Protein change: p.Ile142Ser; replaces isoleucine 142 with serine.
Molecular consequence: missense variant.
Genome position (GRCh38, 1-based): chr7:117,531,050, T>G. VCF-style: chr7-117531050-T-G. GRCh37 (hg19) VCF-style: chr7-117171104-T-G.
Other names: short protein forms I142S.
Identifiers: ClinVar variation 2453617 (VCV002453617.2), dbSNP rs2485009582, ClinGen allele CA368974770.
Genomic context (GRCh38, chr7:117,531,050, plus strand): 5'-ATCTAGGCATAGGCTTATGCCTTCTCTTTATTGTGAGGACACTGCTCCTACACCCAGCCA[T>G]TTTTGGCCTTCATCACATTGGAATGCAGATGAGAATAGCTATGTTTAGTTTGATTTATAA-3'
Protein context (NP_000483.3, residues 132-152): IVRTLLLHPA[Ile142Ser]FGLHHIGMQM